The following is an entry in ClinVar:

ClinVar aggregate classification (germline): Uncertain significance (1 of 4 stars; one submission).

Submission:

Labcorp Genetics (formerly Invitae), Labcorp
Classification: Uncertain significance. Last evaluated: 2025-05-22. Review status: criteria provided, single submitter. Criteria: Invitae Variant Classification Sherloc (09022015). Collection method: clinical testing. Allele origin: germline.
Comment: This sequence change replaces alanine, which is neutral and non-polar, with proline, which is neutral and non-polar, at codon 746 of the KCNQ5 protein (p.Ala746Pro). This variant is not present in population databases (gnomAD no frequency). This variant has not been reported in the literature in individuals affected with KCNQ5-related conditions. Invitae Evidence Modeling of protein sequence and biophysical properties (such as structural, functional, and spatial information, amino acid conservation, physicochemical variation, residue mobility, and thermodynamic stability) indicates that this missense variant is not expected to disrupt KCNQ5 protein function with a negative predictive value of 95%. In summary, the available evidence is currently insufficient to determine the role of this variant in disease. Therefore, it has been classified as a Variant of Uncertain Significance.

NM_019842.4(KCNQ5):c.2179G>C (p.Ala727Pro)

Gene: KCNQ5 (potassium voltage-gated channel subfamily Q member 5; plus strand). Cytogenetic location: 6q13.
Variant type: single nucleotide variant.
Coding change: c.2179G>C on transcript NM_019842.4 (MANE Select); coding-DNA position 2179, G replaced by C.
Protein change: p.Ala727Pro; replaces alanine 727 with proline.
Molecular consequence: missense variant.
Genome position (GRCh38, 1-based): chr6:73,194,794, G>C. VCF-style: chr6-73194794-G-C. GRCh37 (hg19) VCF-style: chr6-73904517-G-C.
Other names: c.2152G>C, p.Ala718Pro (NM_001160130.2); c.2209G>C, p.Ala737Pro (NM_001160132.2); c.2236G>C, p.Ala746Pro (NM_001160133.2); c.1849G>C, p.Ala617Pro (NM_001160134.2); short protein forms A617P, A718P, A727P, A737P, A746P.
Identifiers: ClinVar variation 4801379 (VCV004801379.1).